The following is an entry in ClinVar:

ClinVar aggregate classification (germline): Benign (1 of 4 stars; one submission).

Allele frequency attached by ClinVar (database versions not stated): TOPMed 0.11628; 1000 Genomes Project 30x 0.11711; 1000 Genomes Project 0.11761; gnomAD 0.12210 and 0.12273.
gnomAD v4.1: 18,712 of 152,112 alleles (12%); highest among the groups gnomAD compares: Non-Finnish European, 14%; 1,200 homozygotes.

Submission:

GeneDx
Classification: Benign. Last evaluated: 2018-06-14. Review status: criteria provided, single submitter. Criteria: GeneDx Variant Classification (06012015). Collection method: clinical testing. Allele origin: germline. Affected: yes.
Comment: This variant is considered likely benign or benign based on one or more of the following criteria: it is a conservative change, it occurs at a poorly conserved position in the protein, it is predicted to be benign by multiple in silico algorithms, and/or has population frequency not consistent with disease.

NM_000138.5(FBN1):c.988+289T>A

Gene: FBN1 (fibrillin 1; minus strand). Cytogenetic location: 15q21.1.
Variant type: single nucleotide variant.
Coding change: c.988+289T>A on transcript NM_000138.5 (MANE Select); 289 bases into the intron after coding-DNA position 988, T replaced by A.
Molecular consequence: intron variant.
Genome position (GRCh38, 1-based): chr15:48,525,841, A>T on the plus strand (T>A on the coding strand, the complement: FBN1 is on the minus strand). VCF-style: chr15-48525841-A-T. GRCh37 (hg19) VCF-style: chr15-48818038-A-T.
Identifiers: ClinVar variation 680681 (VCV000680681.1), dbSNP rs17362691, ClinGen allele CA14117752.